The following is an entry in ClinVar:

NM_018979.4(WNK1):c.5955A>C (p.Glu1985Asp)

Gene: WNK1 (WNK lysine deficient protein kinase 1; plus strand). Cytogenetic location: 12p13.33.
Variant type: single nucleotide variant.
Coding change: c.5955A>C on transcript NM_018979.4 (MANE Select); coding-DNA position 5955, A replaced by C.
Protein change: p.Glu1985Asp; replaces glutamic acid 1985 with aspartic acid.
Molecular consequence: missense variant.
Genome position (GRCh38, 1-based): chr12:896,442, A>C. VCF-style: chr12-896442-A-C. GRCh37 (hg19) VCF-style: chr12-1005608-A-C.
Other names: c.6735A>C, p.Glu2245Asp (NM_001184985.2); c.5211A>C, p.Glu1737Asp (NM_014823.3); c.6711A>C, p.Glu2237Asp (NM_213655.5); short protein forms E1737D, E2245D, E1985D, E2237D.
Identifiers: ClinVar variation 1485272 (VCV001485272.8), dbSNP rs1021587275, ClinGen allele CA231486620.
Genomic context (GRCh38, chr12:896,442, plus strand): 5'-CAAGATCACTGACACAAAGAAAGAAGGACCAGTGGCATCTCCTCCTTTTATGGATTTGGA[A>C]CAAGCTGTTCTTCCTGCTGTGATACCAAAGAAAGAGAAGCCTGAACTGTCAGAGCCTTCA-3'
Protein context (NP_061852.3, residues 1975-1995): PVASPPFMDL[Glu1985Asp]QAVLPAVIPK

ClinVar aggregate classification (germline): Uncertain significance (1 of 4 stars; one submission).

Conditions:
Neuropathy, hereditary sensory and autonomic, type 2A (HSAN2A). Also called: ACROOSTEOLYSIS, GIACCAI TYPE; ACROOSTEOLYSIS, NEUROGENIC; MORVAN DISEASE; NEUROPATHY, CONGENITAL SENSORY; NEUROPATHY, HEREDITARY SENSORY RADICULAR, AUTOSOMAL RECESSIVE; NEUROPATHY, HEREDITARY SENSORY, TYPE IIA. Identifiers: Orphanet 970, MedGen C2752089, MONDO:0024309, OMIM 201300.
Pseudohypoaldosteronism type 2C (PHA2C). Also called: Pseudohypoaldosteronism Type IIC. Identifiers: Orphanet 757, Orphanet 88940, MedGen C1840391, MONDO:0013778, OMIM 614492.

Submission:

Labcorp Genetics (formerly Invitae), Labcorp
Classification: Uncertain significance for Neuropathy, hereditary sensory and autonomic, type 2A; Pseudohypoaldosteronism type 2C. Last evaluated: 2022-10-18. Review status: criteria provided, single submitter. Criteria: Invitae Variant Classification Sherloc (09022015). Collection method: clinical testing. Allele origin: germline.
Comment: This sequence change replaces glutamic acid, which is acidic and polar, with aspartic acid, which is acidic and polar, at codon 2237 of the WNK1 protein (p.Glu2237Asp). In summary, the available evidence is currently insufficient to determine the role of this variant in disease. Therefore, it has been classified as a Variant of Uncertain Significance. Advanced modeling of protein sequence and biophysical properties (such as structural, functional, and spatial information, amino acid conservation, physicochemical variation, residue mobility, and thermodynamic stability) performed at Invitae indicates that this missense variant is not expected to disrupt WNK1 protein function. ClinVar contains an entry for this variant (Variation ID: 1485272). This variant has not been reported in the literature in individuals affected with WNK1-related conditions. This variant is not present in population databases (gnomAD no frequency).